The following is an entry in ClinVar:

NM_005228.5(EGFR):c.3554G>A (p.Gly1185Asp)

Gene: EGFR (epidermal growth factor receptor; plus strand). Cytogenetic location: 7p11.2.
Variant type: single nucleotide variant.
Coding change: c.3554G>A on transcript NM_005228.5 (MANE Select); coding-DNA position 3554, G replaced by A.
Protein change: p.Gly1185Asp; replaces glycine 1185 with aspartic acid.
Molecular consequence: missense variant.
Genome position (GRCh38, 1-based): chr7:55,205,538, G>A. VCF-style: chr7-55205538-G-A. GRCh37 (hg19) VCF-style: chr7-55273231-G-A.
Other names: c.3419G>A, p.Gly1140Asp (NM_001346899.2); c.3395G>A, p.Gly1132Asp (NM_001346900.2); c.2753G>A, p.Gly918Asp (NM_001346941.2); short protein forms G918D, G1140D, G1132D, G1185D.
Identifiers: ClinVar variation 1472478 (VCV001472478.8), dbSNP rs746585833, ClinGen allele CA4266423.

ClinVar aggregate classification (germline): Uncertain significance (1 of 4 stars; one submission).

Conditions:
EGFR-related lung cancer (EGFR). Identifiers: MedGen CN130014.

gnomAD v4.1: 1 of 1,614,182 alleles (0.000062%); highest among the groups gnomAD compares: Non-Finnish European, 0.000085%; no homozygotes.

Submission:

Labcorp Genetics (formerly Invitae), Labcorp
Classification: Uncertain significance for EGFR-related lung cancer. Last evaluated: 2021-01-01. Review status: criteria provided, single submitter. Criteria: Invitae Variant Classification Sherloc (09022015). Collection method: clinical testing. Allele origin: germline.
Comment: This variant has not been reported in the literature in individuals with EGFR-related conditions. In summary, the available evidence is currently insufficient to determine the role of this variant in disease. Therefore, it has been classified as a Variant of Uncertain Significance. Algorithms developed to predict the effect of missense changes on protein structure and function are either unavailable or do not agree on the potential impact of this missense change (SIFT: "Tolerated"; PolyPhen-2: "Probably Damaging"; Align-GVGD: "Class C0"). This variant is present in population databases (rs746585833, ExAC 0.002%). This sequence change replaces glycine with aspartic acid at codon 1185 of the EGFR protein (p.Gly1185Asp). The glycine residue is moderately conserved and there is a moderate physicochemical difference between glycine and aspartic acid.